The following is an entry in ClinVar:

ClinVar aggregate classification (germline): Uncertain significance. Review status: criteria provided, multiple submitters, no conflicts (2 of 4 stars). 2 submissions from 2 submitters: Uncertain significance (2). Last evaluated 2026-04-27.

Conditions:
Cardiovascular phenotype. Identifiers: MedGen CN230736.
Hypertrophic cardiomyopathy. Also called: HYPERTROPHIC MYOCARDIOPATHY. Identifiers: Orphanet 217569, MedGen C0007194, MeSH D002312, MONDO:0005045, HP:0001639.

Allele frequency attached by ClinVar (database versions not stated): gnomAD 0.00001; TOPMed 0.00001; gnomAD exomes below 0.00001.
gnomAD v4.1: 2 of 1,612,690 alleles (0.00012%); highest among the groups gnomAD compares: African/African-American, 0.0013%; no homozygotes.

Submissions (2):

Ambry Genetics
Classification: Uncertain significance for Cardiovascular phenotype. Last evaluated: 2026-04-27. Review status: criteria provided, single submitter. Criteria: Ambry Variant Classification Scheme 2023. Collection method: clinical testing. Allele origin: germline.
Comment: The p.M292I variant (also known as c.876G>A), located in coding exon 2 of the JPH2 gene, results from a G to A substitution at nucleotide position 876. The methionine at codon 292 is replaced by isoleucine, an amino acid with highly similar properties. This amino acid position is conserved. In addition, this alteration is predicted to be tolerated by in silico analysis. Based on the available evidence, the clinical significance of this variant remains unclear.

Labcorp Genetics (formerly Invitae), Labcorp
Classification: Uncertain significance for Hypertrophic cardiomyopathy. Last evaluated: 2025-05-19. Review status: criteria provided, single submitter. Criteria: Invitae Variant Classification Sherloc (09022015). Collection method: clinical testing. Allele origin: germline.
Comment: This sequence change replaces methionine, which is neutral and non-polar, with isoleucine, which is neutral and non-polar, at codon 292 of the JPH2 protein (p.Met292Ile). This variant is not present in population databases (gnomAD no frequency). This variant has not been reported in the literature in individuals affected with JPH2-related conditions. ClinVar contains an entry for this variant (Variation ID: 2883959). An algorithm developed to predict the effect of missense changes on protein structure and function (PolyPhen-2) suggests that this variant is likely to be disruptive. In summary, the available evidence is currently insufficient to determine the role of this variant in disease. Therefore, it has been classified as a Variant of Uncertain Significance.

NM_020433.5(JPH2):c.876G>A (p.Met292Ile)

Gene: JPH2 (junctophilin 2; minus strand). Cytogenetic location: 20q13.12.
Variant type: single nucleotide variant.
Coding change: c.876G>A on transcript NM_020433.5 (MANE Select); coding-DNA position 876, G replaced by A.
Protein change: p.Met292Ile; replaces methionine 292 with isoleucine.
Molecular consequence: missense variant.
Genome position (GRCh38, 1-based): chr20:44,159,911, C>T on the plus strand (G>A on the coding strand, the complement: JPH2 is on the minus strand). VCF-style: chr20-44159911-C-T. GRCh37 (hg19) VCF-style: chr20-42788551-C-T.
Other names: short protein forms M292I.
Identifiers: ClinVar variation 2883959 (VCV002883959.4), dbSNP rs983963093, ClinGen allele CA314629358.